The following is an entry in ClinVar:

ClinVar aggregate classification (germline): Uncertain significance. Review status: criteria provided, multiple submitters, no conflicts (2 of 4 stars). 3 submissions from 3 submitters: Uncertain significance (3). Last evaluated 2025-10-29.

Conditions:
CYP4V2-related disorder. Also called: CYP4V2-related disorders; CYP4V2-related condition.

Allele frequency attached by ClinVar (database versions not stated): gnomAD exomes below 0.00001; gnomAD 0.00001; TOPMed 0.00001.
gnomAD v4.1: 4 of 1,603,904 alleles (0.00025%); highest among the groups gnomAD compares: Non-Finnish European, 0.00026%; no homozygotes.

Submissions (3):

PreventionGenetics, part of Exact Sciences
Classification: Uncertain significance for CYP4V2-related condition. Last evaluated: 2025-10-29. Review status: criteria provided, single submitter. Criteria: ACMG Guidelines, 2015. Collection method: clinical testing. Allele origin: germline.
Comment: The CYP4V2 c.328-3A>G variant is predicted to interfere with splicing. This variant is predicted to alter splicing based on available splicing prediction programs (SpliceAI, Jaganathan et al. 2019. PubMed ID: 30661751). However, the use of computer prediction programs is not equivalent to functional evidence. To our knowledge, this variant has not been reported in the literature or in a large population database (gnomAD), indicating this variant is rare. At this time, the clinical significance of this variant is uncertain due to the absence of conclusive functional and genetic evidence.

Blueprint Genetics
Classification: Uncertain significance. Last evaluated: 2022-06-30. Review status: criteria provided, single submitter. Criteria: ACMG Guidelines, 2015. Collection method: clinical testing. Allele origin: germline.

Labcorp Genetics (formerly Invitae), Labcorp
Classification: Uncertain significance. Last evaluated: 2020-09-11. Review status: criteria provided, single submitter. Criteria: Invitae Variant Classification Sherloc (09022015). Collection method: clinical testing. Allele origin: germline.
Comment: This variant has not been reported in the literature in individuals with CYP4V2-related conditions. This variant is not present in population databases (ExAC no frequency). This sequence change falls in intron 2 of the CYP4V2 gene. It does not directly change the encoded amino acid sequence of the CYP4V2 protein, but it affects a nucleotide within the consensus splice site of the intron. In summary, the available evidence is currently insufficient to determine the role of this variant in disease. Therefore, it has been classified as a Variant of Uncertain Significance. Nucleotide substitutions within the consensus splice site are a relatively common cause of aberrant splicing (PMID: 17576681, 9536098). Algorithms developed to predict the effect of sequence changes on RNA splicing suggest that this variant may disrupt the consensus splice site, but this prediction has not been confirmed by published transcriptional studies.

Literature cited by the submitters: PubMed 17576681 (cited by Labcorp Genetics (formerly Invitae), Labcorp); PubMed 9536098 (cited by Labcorp Genetics (formerly Invitae), Labcorp).

NM_207352.4(CYP4V2):c.328-3A>G

Gene: CYP4V2 (cytochrome P450 family 4 subfamily V member 2; plus strand). Cytogenetic location: 4q35.1.
Variant type: single nucleotide variant.
Coding change: c.328-3A>G on transcript NM_207352.4 (MANE Select); 3 bases into the intron before coding-DNA position 328, A replaced by G.
Molecular consequence: intron variant.
Genome position (GRCh38, 1-based): chr4:186,196,000, A>G. VCF-style: chr4-186196000-A-G. GRCh37 (hg19) VCF-style: chr4-187117154-A-G.
Other names: c.328-3A>G (NM_207352.3).
Identifiers: ClinVar variation 1005212 (VCV001005212.8), dbSNP rs1188599974, ClinGen allele CA792318468.